The following is an entry in ClinVar:

ClinVar aggregate classification (germline): Likely benign (1 of 4 stars; one submission).

Submission:

Women's Health and Genetics/Laboratory Corporation of America, LabCorp
Classification: Likely benign. Last evaluated: 2025-07-02. Review status: criteria provided, single submitter. Criteria: LabCorp Variant Classification Summary - May 2015. Collection method: clinical testing. Allele origin: germline.
Comment: Variant summary: KIF1B c.1977+7252A>G is located at a position not widely known to affect splicing. The variant was absent in 249126 control chromosomes. The available data on variant occurrences in the general population are insufficient to allow any conclusion about variant significance. To our knowledge, no occurrence of c.1977+7252A>G in individuals affected with Charcot-Marie-Tooth disease type 2A1 and no experimental evidence demonstrating its impact on protein function have been reported. No submitters have cited clinical-significance assessments for this variant to ClinVar. Based on the evidence outlined above, the variant was classified as likely benign.

NM_001365951.3(KIF1B):c.2115+7252A>G

Gene: KIF1B (kinesin family member 1B; plus strand). Cytogenetic location: 1p36.22.
Variant type: single nucleotide variant.
Coding change: c.2115+7252A>G on transcript NM_001365951.3 (MANE Select); 7252 bases into the intron after coding-DNA position 2115, A replaced by G.
Molecular consequence: intron variant. On other transcripts: missense variant (2).
Genome position (GRCh38, 1-based): chr1:10,304,498, A>G. VCF-style: chr1-10304498-A-G. GRCh37 (hg19) VCF-style: chr1-10364556-A-G.
Other names: c.3313A>G, p.Thr1105Ala (NM_001365953.1, NM_183416.4); c.1977+7252A>G (NM_015074.3); c.2115+7252A>G (NM_001365952.1); short protein forms T1105A.
Identifiers: ClinVar variation 3911986 (VCV003911986.2).
Genomic context (GRCh38, chr1:10,304,498, plus strand): 5'-CAGACTTTCCAGGCAAAGCGCCATATTCATCAACACCGTCAGTCTTACTGTAATTATAAC[A>G]CTGGAGGTCAGTTAGAGGGCAATGCAGCCACTTCCTATCAGAAGCAGACTGACAAACCCA-3'